The following is an entry in ClinVar:

NM_003001.5(SDHC):c.406-2A>C

Gene: SDHC (succinate dehydrogenase complex subunit C; plus strand). Cytogenetic location: 1q23.3.
Variant type: single nucleotide variant.
Coding change: c.406-2A>C on transcript NM_003001.5 (MANE Select); the canonical splice acceptor site of the intron before coding-DNA position 406, A replaced by C.
Molecular consequence: splice acceptor variant.
Genome position (GRCh38, 1-based): chr1:161,362,327, A>C. VCF-style: chr1-161362327-A-C. GRCh37 (hg19) VCF-style: chr1-161332117-A-C.
Other names: c.295-2A>C (NM_001407119.1, NM_001407120.1); c.526-2A>C (NM_001407115.1); c.242-2A>C (NM_001035511.3); c.304-2A>C (NM_001035512.3); c.140-2A>C (NM_001278172.3); c.298-2A>C (NM_001407118.1); c.349-2A>C (NM_001407116.1); c.185-2A>C (NM_001407121.1); and 2 more.
Identifiers: ClinVar variation 2125792 (VCV002125792.5), dbSNP rs2102384860, ClinGen allele CA343457487.

ClinVar aggregate classification (germline): Uncertain significance (1 of 4 stars; one submission).

Conditions:
Pheochromocytoma/paraganglioma syndrome 3. Also called: GLOMUS TUMORS, FAMILIAL, 3; SDHC-Related Hereditary Paraganglioma-Pheochromocytoma Syndrome (Paragangliomas 3); SDHC-Related Hereditary Paraganglioma-Pheochromocytoma Syndrome; Paragangliomas 3. Identifiers: Orphanet 29072, MedGen C1854336, MONDO:0011544, OMIM 605373.
Gastrointestinal stromal tumor. Also called: Gastrointestinal stroma tumor; Gastrointestinal stromal tumor, somatic. Identifiers: Orphanet 44890, MedGen C0238198, MeSH D046152, MONDO:0011719, OMIM 606764, HP:0100723.

Submissions (2):

Labcorp Genetics (formerly Invitae), Labcorp
Classification: Uncertain significance for Pheochromocytoma/paraganglioma syndrome 3; Gastrointestinal stromal tumor. Last evaluated: 2022-04-12. Review status: criteria provided, single submitter. Criteria: Invitae Variant Classification Sherloc (09022015). Collection method: clinical testing. Allele origin: germline.
Comment: Variants that disrupt the consensus splice site are a relatively common cause of aberrant splicing (PMID: 17576681, 9536098). Algorithms developed to predict the effect of sequence changes on RNA splicing suggest that this variant may disrupt the consensus splice site. In summary, the available evidence is currently insufficient to determine the role of this variant in disease. Therefore, it has been classified as a Variant of Uncertain Significance. This variant has not been reported in the literature in individuals affected with SDHC-related conditions. This variant is not present in population databases (gnomAD no frequency). This sequence change affects an acceptor splice site in intron 5 of the SDHC gene. While this variant is not anticipated to result in nonsense mediated decay, it likely alters RNA splicing and results in a disrupted protein product.

Dr. Peter K. Rogan Lab, Western University
No classification provided (evidence only). Condition: Ovarian serous cystadenocarcinoma. Review status: no classification provided. Collection method: in vitro. Allele origin: not applicable. Functional consequence: retained intron. Not counted in ClinVar's aggregate classification.

Literature cited by the submitters: PubMed 17576681 (cited by Labcorp Genetics (formerly Invitae), Labcorp); PubMed 9536098 (cited by Labcorp Genetics (formerly Invitae), Labcorp).